The following is an entry in ClinVar:

ClinVar aggregate classification (germline): Likely benign. Review status: criteria provided, multiple submitters, no conflicts (2 of 4 stars). 3 submissions from 3 submitters: Likely benign (3). Last evaluated 2025-11-10.

Conditions:
Familial melanoma. Also called: Hereditary melanoma; Hereditary cutaneous melanoma. Identifiers: Orphanet 618, MedGen C1512419, MONDO:0018961.
Hereditary cancer-predisposing syndrome. Also called: Neoplastic Syndromes, Hereditary; Hereditary Cancer Syndrome; Tumor predisposition; Hereditary neoplastic syndrome. Identifiers: Orphanet 140162, MedGen C0027672, MeSH D009386, MONDO:0015356.

Allele frequency attached by ClinVar (database versions not stated): gnomAD exomes below 0.00001; TOPMed 0.00001.
gnomAD v4.1: 6 of 1,596,718 alleles (0.00038%); highest among the groups gnomAD compares: Non-Finnish European, 0.00051%; no homozygotes.

Submissions (3):

Labcorp Genetics (formerly Invitae), Labcorp
Classification: Likely benign for Familial melanoma. Last evaluated: 2025-11-10. Review status: criteria provided, single submitter. Criteria: Invitae Variant Classification Sherloc (09022015). Collection method: clinical testing. Allele origin: germline.

GeneDx
Classification: Likely benign. Last evaluated: 2018-03-20. Review status: criteria provided, single submitter. Criteria: GeneDx Variant Classification (06012015). Collection method: clinical testing. Allele origin: germline. Affected: yes.
Comment: This variant is considered likely benign or benign based on one or more of the following criteria: it is a conservative change, it occurs at a poorly conserved position in the protein, it is predicted to be benign by multiple in silico algorithms, and/or has population frequency not consistent with disease.

Color Diagnostics, LLC DBA Color Health
Classification: Likely benign for Hereditary cancer-predisposing syndrome. Last evaluated: 2017-10-02. Review status: criteria provided, single submitter. Criteria: ACMG Guidelines, 2015. Collection method: clinical testing. Allele origin: germline.

NM_000077.5(CDKN2A):c.151-7C>G

Gene: CDKN2A (cyclin dependent kinase inhibitor 2A; minus strand). Cytogenetic location: 9p21.3.
Variant type: single nucleotide variant.
Coding change: c.151-7C>G on transcript NM_000077.5 (MANE Select); 7 bases into the intron before coding-DNA position 151, C replaced by G.
Molecular consequence: intron variant.
Genome position (GRCh38, 1-based): chr9:21,971,215, G>C on the plus strand (C>G on the coding strand, the complement: CDKN2A is on the minus strand). VCF-style: chr9-21971215-G-C. GRCh37 (hg19) VCF-style: chr9-21971214-G-C.
Other names: c.-3-7C>G (NM_001363763.2); c.194-7C>G (NM_058195.4); c.151-7C>G (NM_001195132.2); c.*74-7C>G (NM_058197.5).
Identifiers: ClinVar variation 463484 (VCV000463484.8), dbSNP rs1482685317, ClinGen allele CA658656029.